The following is an entry in ClinVar:

ClinVar aggregate classification (germline): Uncertain significance. Review status: criteria provided, multiple submitters, no conflicts (2 of 4 stars). 3 submissions from 3 submitters: Uncertain significance (3). Last evaluated 2025-09-17.

Conditions:
Multiple endocrine neoplasia, type 2 (MEN2). Identifiers: Orphanet 653, MedGen C4048306, MONDO:0019003. Disease mechanism: gain of function.
Hereditary cancer-predisposing syndrome. Also called: Tumor predisposition; Neoplastic Syndromes, Hereditary; Hereditary neoplastic syndrome; Hereditary Cancer Syndrome. Identifiers: Orphanet 140162, MedGen C0027672, MeSH D009386, MONDO:0015356.

Submissions (3):

Ambry Genetics
Classification: Uncertain significance for Hereditary cancer-predisposing syndrome. Last evaluated: 2025-09-17. Review status: criteria provided, single submitter. Criteria: Ambry Variant Classification Scheme 2023. Collection method: clinical testing. Allele origin: germline.
Comment: The c.824_825delGCinsTT variant (also known as p.G275V), located in coding exon 4 of the RET gene, results from an in-frame deletion of GC and insertion of TT at nucleotide positions 824 to 825. This results in the substitution of the glycine residue for a valine residue at codon 275, an amino acid with dissimilar properties. This amino acid position is well conserved in available vertebrate species. In addition, the in silico prediction for this alteration is inconclusive. Since supporting evidence is limited at this time, the clinical significance of this alteration remains unclear.

Labcorp Genetics (formerly Invitae), Labcorp
Classification: Uncertain significance for Multiple endocrine neoplasia, type 2. Last evaluated: 2025-08-27. Review status: criteria provided, single submitter. Criteria: Invitae Variant Classification Sherloc (09022015). Collection method: clinical testing. Allele origin: germline.
Comment: This sequence change replaces glycine, which is neutral and non-polar, with valine, which is neutral and non-polar, at codon 275 of the RET protein (p.Gly275Val). This variant is present in population databases (no rsID available, gnomAD 0.0007%). This variant has not been reported in the literature in individuals affected with RET-related conditions. ClinVar contains an entry for this variant (Variation ID: 961833). An algorithm developed to predict the effect of missense changes on protein structure and function (PolyPhen-2) suggests that this variant is likely to be tolerated. In summary, the available evidence is currently insufficient to determine the role of this variant in disease. Therefore, it has been classified as a Variant of Uncertain Significance.

Mayo Clinic Laboratories, Mayo Clinic
Classification: Uncertain significance. Last evaluated: 2023-11-01. Review status: criteria provided, single submitter. Criteria: ACMG Guidelines, 2015. Collection method: clinical testing. Allele origin: germline. Observed: 1 variant allele.
Comment: PM2_moderate

NM_020975.6(RET):c.824_825delinsTT (p.Gly275Val)

Gene: RET (ret proto-oncogene; plus strand). Cytogenetic location: 10q11.21.
Variant type: Indel.
Coding change: c.824_825delinsTT on transcript NM_020975.6 (MANE Select); coding-DNA positions 824 to 825, GC replaced by TT.
Protein change: p.Gly275Val; replaces glycine 275 with valine.
Molecular consequence: missense variant.
Genome position (GRCh38, 1-based): chr10:43,105,150-43,105,151, GC replaced by TT. VCF-style: chr10-43105150-GC-TT. GRCh37 (hg19) VCF-style: chr10-43600598-GC-TT.
Other names: p.Gly275Val; c.824_825delGCinsTT, p.Gly275Val (NM_000323.2, NM_001406743.1, NM_001406744.1 and 8 more transcripts); c.62_63delGCinsTT, p.Gly21Val (NM_001355216.2); c.695_696delGCinsTT, p.Gly232Val (NM_001406761.1, NM_001406762.1, NM_001406764.1 and 2 more transcripts); c.536_537delGCinsTT, p.Gly179Val (NM_001406766.1, NM_001406767.1, NM_001406770.1); short protein forms G21V, G275V, G232V, G179V.
Identifiers: ClinVar variation 961833 (VCV000961833.11), dbSNP rs1837738788, ClinGen allele CA1139661422.
Genomic context (GRCh38, chr10:43,105,150, plus strand): 5'-TGGTGCCCTTCCCGGTGACCGTGTACGACGAGGACGACTCGGCGCCCACCTTCCCCGCGG[GC>TT]GTCGACACCGCCAGCGCCGTGGTGGAGTTCAAGCGGAAGGAGGTGCTTGTCCGCGCGTGC-3'
Protein context (NP_066124.1, residues 265-285): EDDSAPTFPA[Gly275Val]VDTASAVVEF